The following is an entry in ClinVar:

ClinVar aggregate classification (germline): Pathogenic (1 of 4 stars; one submission).

Conditions:
Multiple endocrine neoplasia type 2B. Also called: Multiple Endocrine Neoplasia Type 2B (MEN2B); Multiple endocrine neoplasia, type 3; WAGENMANN-FROBOESE SYNDROME; MULTIPLE ENDOCRINE NEOPLASIA, TYPE III; MEN IIB; NEUROMATA, MUCOSAL, WITH ENDOCRINE TUMORS. Identifiers: Orphanet 247709, Orphanet 653, MedGen C0025269, MeSH D018814, MONDO:0008082, OMIM 162300.

Submission:

Centre for Mendelian Genomics, University Medical Centre Ljubljana
Classification: Pathogenic for Multiple endocrine neoplasia type 2B. Last evaluated: 2019-03-19. Review status: criteria provided, single submitter. Criteria: ACMG Guidelines, 2015. Collection method: clinical testing. Allele origin: unknown. Affected: yes.
Comment: This variant was classified as: Pathogenic. The following ACMG criteria were applied in classifying this variant: PVS1,PM2,PP4.

NM_020975.6(RET):c.2631del (p.Arg878fs)

Gene: RET (ret proto-oncogene; plus strand). Cytogenetic location: 10q11.21.
Variant type: Deletion.
Coding change: c.2631del on transcript NM_020975.6 (MANE Select); coding-DNA position 2631, one base deleted (C; older notation c.2631delC).
Protein change: p.Arg878fs; shifts the reading frame from arginine 878.
Molecular consequence: frameshift variant.
Genome position (GRCh38, 1-based): chr10:43,120,104, C deleted; the last of 2 consecutive C bases (chr10:43,120,103-43,120,104); deleting either gives the same sequence. VCF-style (leftmost placement, unchanged base first): chr10-43120102-GC-G. GRCh37 (hg19) VCF-style: chr10-43615550-GC-G.
Other names: c.2631delC, p.Arg878Glufs (NM_000323.2, NM_001406743.1, NM_001406744.1 and 4 more transcripts); c.1869delC, p.Arg624Glufs (NM_001355216.2); c.2502delC, p.Arg835Glufs (NM_001406761.1, NM_001406762.1, NM_001406764.1); c.2496delC, p.Arg833Glufs (NM_001406763.1, NM_001406765.1); c.2343delC, p.Arg782Glufs (NM_001406766.1, NM_001406767.1, NM_001406770.1); c.2367delC, p.Arg790Glufs (NM_001406768.1); c.2235delC, p.Arg746Glufs (NM_001406769.1, NM_001406772.1); c.2193delC, p.Arg732Glufs (NM_001406771.1, NM_001406773.1); and 10 more; short protein forms R624fs, R878fs.
Identifiers: ClinVar variation 932072 (VCV000932072.5), dbSNP rs1838178970, ClinGen allele CA1139659388.
Genomic context (GRCh38, chr10:43,120,102, plus strand): 5'-TGGCCATGGCCTGACGACTCGTGCTATTTTTCCTCACAGCTCGTTCATCGGGACTTGGCA[GC>G]CAGAAACATCCTGGTAGCTGAGGGGCGGAAGATGAAGATTTCGGATTTCGGCTTGTCCCG-3'